The following is an entry in ClinVar:

NM_001363711.2(DUOX2):c.1831G>A (p.Val611Met)

Gene: DUOX2 (dual oxidase 2; minus strand). Cytogenetic location: 15q21.1.
Variant type: single nucleotide variant.
Coding change: c.1831G>A on transcript NM_001363711.2 (MANE Select); coding-DNA position 1831, G replaced by A.
Protein change: p.Val611Met; replaces valine 611 with methionine.
Molecular consequence: missense variant.
Genome position (GRCh38, 1-based): chr15:45,106,832, C>T on the plus strand (G>A on the coding strand, the complement: DUOX2 is on the minus strand). VCF-style: chr15-45106832-C-T. GRCh37 (hg19) VCF-style: chr15-45399030-C-T.
Other names: c.1831G>A, p.Val611Met (NM_014080.5); short protein forms V611M.
Identifiers: ClinVar variation 3626301 (VCV003626301.3).
Genomic context (GRCh38, chr15:45,106,832, plus strand): 5'-TCAGGCCAGCAGGAAATGAGGGGCAGGGCCAGTCTGCAGAGAGGCTGCCTAAGAGCTCAC[C>T]TAAGGGAAGGCAGCAGAGAGCAATGATGGTGATGGCAAAACCAGGGCTGCTGCCTTCAAA-3'
Protein context (NP_001350640.1, residues 601-621): TIIALCCLPL[Val611Met]SLLLSGVVAY

ClinVar aggregate classification (germline): Uncertain significance. Review status: criteria provided, multiple submitters, no conflicts (2 of 4 stars). 2 submissions from 2 submitters: Uncertain significance (2). Last evaluated 2025-12-10.

gnomAD v4.1: 2 of 1,596,680 alleles (0.00013%); highest among the groups gnomAD compares: East Asian, 0.0023%; no homozygotes.

Submissions (2):

Women's Health and Genetics/Laboratory Corporation of America, LabCorp
Classification: Uncertain significance. Last evaluated: 2025-12-10. Review status: criteria provided, single submitter. Criteria: LabCorp Variant Classification Summary - May 2015. Collection method: clinical testing. Allele origin: germline.
Comment: Variant summary: DUOX2 c.1831G>A (p.Val611Met) results in a conservative amino acid change in the encoded protein sequence. Algorithms developed to predict the effect of missense changes on protein structure and function are either unavailable or do not agree on the potential impact of this missense change. Several computational tools predict a significant impact on normal splicing: Three predict the variant weakens a canonical 5' donor site, and one predicts the variant abolishes this site. However, these predictions have yet to be confirmed by functional studies. The variant allele was found at a frequency of 9.1e-06 in 218770 control chromosomes (gnomAD). The available data on variant occurrences in the general population are insufficient to allow any conclusion about variant significance. To our knowledge, no occurrence of c.1831G>A in individuals affected with DUOX2-related conditions and no experimental evidence demonstrating its impact on protein function have been reported. ClinVar contains an entry for this variant (Variation ID: 3626301). Based on the evidence outlined above, the variant was classified as uncertain significance.

Labcorp Genetics (formerly Invitae), Labcorp
Classification: Uncertain significance. Last evaluated: 2024-09-10. Review status: criteria provided, single submitter. Criteria: Invitae Variant Classification Sherloc (09022015). Collection method: clinical testing. Allele origin: germline.
Comment: This sequence change replaces valine, which is neutral and non-polar, with methionine, which is neutral and non-polar, at codon 611 of the DUOX2 protein (p.Val611Met). This variant also falls at the last nucleotide of exon 15, which is part of the consensus splice site for this exon. The frequency data for this variant in the population databases is considered unreliable, as metrics indicate poor data quality at this position in the gnomAD database. This variant has not been reported in the literature in individuals affected with DUOX2-related conditions. An algorithm developed to predict the effect of missense changes on protein structure and function (PolyPhen-2) suggests that this variant is likely to be tolerated. Variants that disrupt the consensus splice site are a relatively common cause of aberrant splicing (PMID: 17576681, 9536098). Algorithms developed to predict the effect of sequence changes on RNA splicing suggest that this variant may disrupt the consensus splice site. In summary, the available evidence is currently insufficient to determine the role of this variant in disease. Therefore, it has been classified as a Variant of Uncertain Significance.

Literature cited by the submitters: PubMed 17576681 (cited by Labcorp Genetics (formerly Invitae), Labcorp); PubMed 9536098 (cited by Labcorp Genetics (formerly Invitae), Labcorp).